The following is an entry in ClinVar:

ClinVar aggregate classification (germline): other (0 of 4 stars; one submission).

Conditions:
Familial colorectal cancer. Identifiers: MedGen CN280943, MONDO:0023113. Disease mechanism: loss of function.

Submission:

Systems Biology Platform Zhejiang California International NanoSystems Institute
Classification: other for Familial colorectal cancer. Review status: no assertion criteria provided. Collection method: not provided. Allele origin: unknown.
ClinVar note: Converted during submission from cancer to other.

NM_000038.6(APC):c.-19+563G>T

Gene: APC (APC regulator of WNT signaling pathway; plus strand). Cytogenetic location: 5q22.2.
Variant type: single nucleotide variant.
Coding change: c.-19+563G>T on transcript NM_000038.6 (MANE Select); 563 bases into the intron after 19 bases upstream of the start codon, G replaced by T.
Molecular consequence: intron variant.
Genome position (GRCh38, 1-based): chr5:112,738,488, G>T. VCF-style: chr5-112738488-G-T. GRCh37 (hg19) VCF-style: chr5-112074185-G-T.
Other names: c.-18-16385G>T (NM_001354895.2); c.166-27838G>T (NM_001354897.2, NM_001354902.2, NM_001127511.3); c.-19+28G>T (NM_001127510.3); c.60+28G>T (NM_001354898.2, NM_001354904.2); c.-1054+563G>T (NM_001354906.2); c.-19+563G>T (NM_001354896.2, NM_001354903.2, NM_001354899.2); c.-43+563G>T (NM_001354900.2, NM_001354901.2, NM_001354905.2).
Identifiers: ClinVar variation 82741 (VCV000082741.2), dbSNP rs78811626, ClinGen allele CA006592.